The following is an entry in ClinVar:

ClinVar aggregate classification (germline): Uncertain significance (1 of 4 stars; one submission).

Conditions:
Generalized epilepsy with febrile seizures plus, type 7 (GEFSP7). Also called: GEFS+, TYPE 7. Identifiers: Orphanet 36387, MedGen C2751778, MONDO:0013470, OMIM 613863.
Neuropathy, hereditary sensory and autonomic, type 2A (HSAN2A). Also called: HSAN IIA; WNK1-Related HSAN2 (HSAN2A); MORVAN DISEASE; NEUROPATHY, CONGENITAL SENSORY; NEUROPATHY, HEREDITARY SENSORY RADICULAR, AUTOSOMAL RECESSIVE; NEUROPATHY, HEREDITARY SENSORY, TYPE IIA. Identifiers: Orphanet 970, MedGen C2752089, MONDO:0024309, OMIM 201300.

Submission:

Labcorp Genetics (formerly Invitae), Labcorp
Classification: Uncertain significance for Neuropathy, hereditary sensory and autonomic, type 2A; Generalized epilepsy with febrile seizures plus, type 7. Last evaluated: 2021-10-27. Review status: criteria provided, single submitter. Criteria: Invitae Variant Classification Sherloc (09022015). Collection method: clinical testing. Allele origin: germline.
Comment: In summary, the available evidence is currently insufficient to determine the role of this variant in disease. Therefore, it has been classified as a Variant of Uncertain Significance. Algorithms developed to predict the effect of missense changes on protein structure and function (SIFT, PolyPhen-2, Align-GVGD) all suggest that this variant is likely to be disruptive. This variant has not been reported in the literature in individuals affected with SCN9A-related conditions. This variant is not present in population databases (gnomAD no frequency). This sequence change replaces valine, a(n) neutral and non-polar amino acid, with alanine, a(n) neutral and non-polar amino acid, at codon 1600 of the SCN9A protein (p.Val1600Ala).

NM_001365536.1(SCN9A):c.4832T>C (p.Val1611Ala)

Genes: SCN9A (sodium voltage-gated channel alpha subunit 9; minus strand), SCN1A-AS1 (SCN1A and SCN9A antisense RNA 1; plus strand). Cytogenetic location: 2q24.3.
Variant type: single nucleotide variant.
Coding change: c.4832T>C on transcript NM_001365536.1 (MANE Select); coding-DNA position 4832, T replaced by C.
Protein change: p.Val1611Ala; replaces valine 1611 with alanine.
Molecular consequence: missense variant. On other transcripts: non-coding transcript variant (1).
Genome position (GRCh38, 1-based): chr2:166,199,807, A>G on the plus strand (T>C on the coding strand, the complement: SCN9A is on the minus strand). VCF-style: chr2-166199807-A-G. GRCh37 (hg19) VCF-style: chr2-167056317-A-G.
Other names: c.4799T>C, p.Val1600Ala (NM_002977.4); short protein forms V1600A, V1611A.
Identifiers: ClinVar variation 1444984 (VCV001444984.6), dbSNP rs2106338211, ClinGen allele CA349055550.